The following is an entry in ClinVar:

ClinVar aggregate classification (germline): Conflicting classifications of pathogenicity. Review status: criteria provided, conflicting classifications (1 of 4 stars). 6 submissions from 6 submitters: Uncertain significance (4); Likely benign (1). 1 of the submissions does not count toward it. Last evaluated 2025-07-10.

Conditions:
Hereditary cancer-predisposing syndrome. Also called: Tumor predisposition; Hereditary Cancer Syndrome; Neoplastic Syndromes, Hereditary; Hereditary neoplastic syndrome. Identifiers: Orphanet 140162, MedGen C0027672, MeSH D009386, MONDO:0015356.
Hereditary breast ovarian cancer syndrome. Also called: Hereditary breast and ovarian cancer; Hereditary breast and/or ovarian cancer syndrome; BRCA1- and BRCA2-Associated Hereditary Breast and Ovarian Cancer; Hereditary breast and ovarian cancer syndrome; Hereditary breast and ovarian cancer syndrome (HBOC); Breast and ovarian cancer. Identifiers: Orphanet 145, MedGen C0677776, MeSH D061325, MONDO:0003582. Disease mechanism: loss of function.
Breast-ovarian cancer, familial, susceptibility to, 2 (BROVCA2). Also called: BRCA2 Hereditary Breast and Ovarian Cancer. Identifiers: Orphanet 145, MedGen C2675520, MONDO:0012933, OMIM 612555. Disease mechanism: loss of function.

gnomAD v4.1: 1 of 1,613,154 alleles (0.000062%); highest among the groups gnomAD compares: Admixed American, 0.0017%; no homozygotes.

Submissions (6):

Labcorp Genetics (formerly Invitae), Labcorp
Classification: Uncertain significance for Hereditary breast ovarian cancer syndrome. Last evaluated: 2025-07-10. Review status: criteria provided, single submitter. Criteria: Invitae Variant Classification Sherloc (09022015). Collection method: clinical testing. Allele origin: germline.
Comment: This sequence change replaces asparagine, which is neutral and polar, with isoleucine, which is neutral and non-polar, at codon 986 of the BRCA2 protein (p.Asn986Ile). This variant is not present in population databases (gnomAD no frequency). This missense change has been observed in individual(s) with clinical features of BRCA2-related conditions (PMID: 10923033). ClinVar contains an entry for this variant (Variation ID: 126000). Invitae Evidence Modeling of protein sequence and biophysical properties (such as structural, functional, and spatial information, amino acid conservation, physicochemical variation, residue mobility, and thermodynamic stability) indicates that this missense variant is not expected to disrupt BRCA2 protein function with a negative predictive value of 95%. In summary, the available evidence is currently insufficient to determine the role of this variant in disease. Therefore, it has been classified as a Variant of Uncertain Significance.

Ambry Genetics
Classification: Uncertain significance for Hereditary cancer-predisposing syndrome. Last evaluated: 2025-05-19. Review status: criteria provided, single submitter. Criteria: Ambry Variant Classification Scheme 2023. Collection method: clinical testing. Allele origin: germline.
Comment: The p.N986I variant (also known as c.2957A>T), located in coding exon 10 of the BRCA2 gene, results from an A to T substitution at nucleotide position 2957. The asparagine at codon 986 is replaced by isoleucine, an amino acid with dissimilar properties. This amino acid position is not well conserved in available vertebrate species. In addition, this alteration is predicted to be tolerated by in silico analysis. Since supporting evidence is limited at this time, the clinical significance of this alteration remains unclear.

Quest Diagnostics Nichols Institute San Juan Capistrano
Classification: Uncertain significance. Last evaluated: 2024-02-16. Review status: criteria provided, single submitter. Criteria: Quest Diagnostics criteria. Collection method: clinical testing. Allele origin: unknown.
Comment: The BRCA2 c.2957A>T (p.Asn986Ile) variant has been reported in the published literature in an individual with breast cancer as well as reportedly healthy individuals (PMID: 33471991 (2021), see also LOVD). This variant has also been reported to be located in region of the BRCA2 gene that is tolerant to missense sequence changes (PMID: 31911673 (2020)). The frequency of this variant in the general population, 0.0000066 (1/152260 chromosomes (Genome Aggregation Database)), is uninformative in the assessment of its pathogenicity. Analysis of this variant using bioinformatics tools for the prediction of the effect of amino acid changes on protein structure and function yielded predictions that this variant is benign. Based on the available information, we are unable to determine the clinical significance of this variant.

University of Washington Department of Laboratory Medicine, University of Washington
Classification: Likely benign for Hereditary cancer-predisposing syndrome. Last evaluated: 2023-03-23. Review status: criteria provided, single submitter. Criteria: Dines et al. (Genet Med. 2020). Collection method: curation. Allele origin: germline.
Comment: Missense variant in a coldspot region where missense variants are very unlikely to be pathogenic (PMID:31911673).

BRCA2 exon 11 coldspot. Reclassification based on statistical prior probability.

PreventionGenetics, part of Exact Sciences
Classification: Uncertain significance. Last evaluated: 2017-01-16. Review status: criteria provided, single submitter. Criteria: ACMG Guidelines, 2015. Collection method: clinical testing. Allele origin: germline.

Breast Cancer Information Core (BIC) (BRCA2)
Classification: Uncertain significance for Breast-ovarian cancer, familial 2. Last evaluated: 2001-10-29. Review status: no assertion criteria provided. Collection method: clinical testing. Allele origin: germline. Affected: yes. Observed: 1 variant allele. Not counted in ClinVar's aggregate classification.

Literature cited by the submitters: PubMed 10923033 (cited by Labcorp Genetics (formerly Invitae), Labcorp); PubMed 33471991 (cited by Quest Diagnostics Nichols Institute San Juan Capistrano); PubMed 31911673 (cited by Quest Diagnostics Nichols Institute San Juan Capistrano); PubMed 23929434 (cited by Quest Diagnostics Nichols Institute San Juan Capistrano).

NM_000059.4(BRCA2):c.2957A>T (p.Asn986Ile)

Gene: BRCA2 (BRCA2 DNA repair associated; plus strand). Cytogenetic location: 13q13.1.
Variant type: single nucleotide variant.
Coding change: c.2957A>T on transcript NM_000059.4 (MANE Select); coding-DNA position 2957, A replaced by T.
Protein change: p.Asn986Ile; replaces asparagine 986 with isoleucine.
Molecular consequence: missense variant.
Genome position (GRCh38, 1-based): chr13:32,337,312, A>T. VCF-style: chr13-32337312-A-T. GRCh37 (hg19) VCF-style: chr13-32911449-A-T.
Other names: short protein forms N986I.
Identifiers: ClinVar variation 126000 (VCV000126000.21), dbSNP rs28897718, ClinGen allele CA016904.